The following is an entry in ClinVar:

NM_000824.5(GLRB):c.931T>C (p.Ser311Pro)

Gene: GLRB (glycine receptor beta; plus strand). Cytogenetic location: 4q32.1.
Variant type: single nucleotide variant.
Coding change: c.931T>C on transcript NM_000824.5 (MANE Select); coding-DNA position 931, T replaced by C.
Protein change: p.Ser311Pro; replaces serine 311 with proline.
Molecular consequence: missense variant. On other transcripts: intron variant (1).
Genome position (GRCh38, 1-based): chr4:157,152,744, T>C. VCF-style: chr4-157152744-T-C. GRCh37 (hg19) VCF-style: chr4-158073896-T-C.
Other names: c.931T>C, p.Ser311Pro (NM_001166060.2); c.904+8785T>C (NM_001166061.2); short protein forms S311P.
Identifiers: ClinVar variation 2081157 (VCV002081157.4), dbSNP rs2530109516, ClinGen allele CA358644256.

ClinVar aggregate classification (germline): Uncertain significance (1 of 4 stars; one submission).

Conditions:
Hyperekplexia 2 (HKPX2). Identifiers: Orphanet 3197, MedGen C3553291, MONDO:0013828, OMIM 614619.

Submission:

Labcorp Genetics (formerly Invitae), Labcorp
Classification: Uncertain significance for Hyperekplexia 2. Last evaluated: 2022-05-29. Review status: criteria provided, single submitter. Criteria: Invitae Variant Classification Sherloc (09022015). Collection method: clinical testing. Allele origin: germline.
Comment: This sequence change replaces serine, which is neutral and polar, with proline, which is neutral and non-polar, at codon 311 of the GLRB protein (p.Ser311Pro). This variant is not present in population databases (gnomAD no frequency). This variant has not been reported in the literature in individuals affected with GLRB-related conditions. Advanced modeling of protein sequence and biophysical properties (such as structural, functional, and spatial information, amino acid conservation, physicochemical variation, residue mobility, and thermodynamic stability) performed at Invitae indicates that this missense variant is expected to disrupt GLRB protein function. In summary, the available evidence is currently insufficient to determine the role of this variant in disease. Therefore, it has been classified as a Variant of Uncertain Significance.